The following is an entry in ClinVar:

NM_020207.7(ERCC6L2):c.1237C>G (p.Leu413Val)

Gene: ERCC6L2 (ERCC excision repair 6 like 2; plus strand). Cytogenetic location: 9q22.32.
Variant type: single nucleotide variant.
Coding change: c.1237C>G on transcript NM_020207.7 (MANE Select); coding-DNA position 1237, C replaced by G.
Protein change: p.Leu413Val; replaces leucine 413 with valine.
Molecular consequence: missense variant. On other transcripts: non-coding transcript variant (1).
Genome position (GRCh38, 1-based): chr9:95,921,253, C>G. VCF-style: chr9-95921253-C-G. GRCh37 (hg19) VCF-style: chr9-98683535-C-G.
Other names: c.1237C>G, p.Leu413Val (NM_001010895.4, NM_001375291.1, NM_001375292.1 and 2 more transcripts); short protein forms L413V.
Identifiers: ClinVar variation 4019290 (VCV004019290.1).

ClinVar aggregate classification (germline): Uncertain significance (1 of 4 stars; one submission).

Conditions:
Inborn genetic diseases. Identifiers: MedGen C0950123, MeSH D030342.

Submission:

Ambry Genetics
Classification: Uncertain significance for Inborn genetic diseases. Last evaluated: 2025-04-05. Review status: criteria provided, single submitter. Criteria: Ambry Variant Classification Scheme 2023. Collection method: clinical testing. Allele origin: germline.
Comment: The p.L413V variant (also known as c.1237C>G), located in coding exon 7 of the ERCC6L2 gene, results from a C to G substitution at nucleotide position 1237. The leucine at codon 413 is replaced by valine, an amino acid with highly similar properties. This amino acid position is conserved. In addition, this alteration is predicted to be tolerated by in silico analysis. Based on the available evidence, the clinical significance of this variant remains unclear.